The following is an entry in ClinVar:

NM_000044.6(AR):c.2752del (p.His918fs)

Gene: AR (androgen receptor; plus strand). Cytogenetic location: Xq12.
Variant type: Deletion.
Coding change: c.2752del on transcript NM_000044.6 (MANE Select); coding-DNA position 2752, one base deleted (C; older notation c.2752delC).
Protein change: p.His918fs; shifts the reading frame from histidine 918.
Molecular consequence: frameshift variant.
Genome position (GRCh38, 1-based): chrX:67,723,830, C deleted; the last of 2 consecutive C bases (chrX:67,723,829-67,723,830); deleting either gives the same sequence. VCF-style (leftmost placement, unchanged base first): chrX-67723828-TC-T. GRCh37 (hg19) VCF-style: chrX-66943670-TC-T.
Other names: c.1156del, p.His386fs (NM_001011645.3); short protein forms H918fs, H386fs.
Identifiers: ClinVar variation 642559 (VCV000642559.1), dbSNP rs1602280414, ClinGen allele CA915951141.
Genomic context (GRCh38, chrX:67,723,828, plus strand): 5'-CAGAGATCATCTCTGTGCAAGTGCCCAAGATCCTTTCTGGGAAAGTCAAGCCCATCTATT[TC>T]CACACCCAGTGAAGCATTGGAAACCCTATTTCCCCACCCCAGCTCATGCCCCCTTTCAGA-3'

ClinVar aggregate classification (germline): Uncertain significance (1 of 4 stars; one submission).

Conditions:
Androgen resistance syndrome (AIS). Also called: Androgen insensitivity, complete; Androgen insensitivity syndrome due to coactivator deficiency; Androgen insensitivity syndrome; Androgen insensitivity; ANDROGEN RECEPTOR DEFICIENCY; DIHYDROTESTOSTERONE RECEPTOR DEFICIENCY. Identifiers: Orphanet 754, Orphanet 99429, MedGen C0039585, MONDO:0019154, OMIM 300068. Disease mechanism: loss of function.
Kennedy disease (SMAX1). Also called: Spinal and Bulbar Muscular Atrophy; SPINAL AND BULBAR MUSCULAR ATROPHY, X-LINKED 1; KENNEDY SPINAL AND BULBAR MUSCULAR ATROPHY. Identifiers: Orphanet 481, MedGen C1839259, MONDO:0010735, OMIM 313200.

Submission:

Labcorp Genetics (formerly Invitae), Labcorp
Classification: Uncertain significance for Bulbo-spinal atrophy X-linked; Androgen resistance syndrome. Last evaluated: 2018-12-11. Review status: criteria provided, single submitter. Criteria: Invitae Variant Classification Sherloc (09022015). Collection method: clinical testing. Allele origin: germline.
Comment: This sequence change results in a frameshift in the AR gene (p.His918Thrfs*26). While this is not anticipated to result in nonsense mediated decay, it is expected to disrupt the last 3 amino acids of the AR protein and extend the protein by an additional 8 amino acids. This variant is not present in population databases (ExAC no frequency). This variant has not been reported in the literature in individuals with AR-related disease. The observation of one or more missense substitutions at or downstream of this variant (p.His918Arg) in affected individuals suggests that this may be a clinically significant region of the AR protein (PMID:Â¬â€ 10690872,Â¬â€ 18577874). In summary, the available evidence is currently insufficient to determine the role of this variant in disease. Therefore, it has been classified as a Variant of Uncertain Significance.